The following is an entry in ClinVar:

NM_001040108.2(MLH3):c.3379+5G>T

Gene: MLH3 (mutL homolog 3; minus strand). Cytogenetic location: 14q24.3.
Variant type: single nucleotide variant.
Coding change: c.3379+5G>T on transcript NM_001040108.2 (MANE Select); 5 bases into the intron after coding-DNA position 3379, G replaced by T.
Molecular consequence: intron variant.
Genome position (GRCh38, 1-based): chr14:75,042,374, C>A on the plus strand (G>T on the coding strand, the complement: MLH3 is on the minus strand). VCF-style: chr14-75042374-C-A. GRCh37 (hg19) VCF-style: chr14-75509077-C-A.
Other names: c.3379+5G>T (NM_014381.3).
Identifiers: ClinVar variation 2497048 (VCV002497048.2), dbSNP rs556719382, ClinGen allele CA263646072.

ClinVar aggregate classification (germline): Uncertain significance (1 of 4 stars; one submission).

Allele frequency attached by ClinVar (database versions not stated): TOPMed below 0.00001; gnomAD 0.00001.

Submission:

Ambry Genetics
Classification: Uncertain significance. Last evaluated: 2023-02-03. Review status: criteria provided, single submitter. Criteria: Ambry Variant Classification Scheme 2023. Collection method: clinical testing. Allele origin: germline.
Comment: The c.3379+5G>T intronic variant results from a G to T substitution 5 nucleotides after coding exon 2 in the MLH3 gene. This nucleotide position is well conserved in available vertebrate species. In silico splice site analysis for this alteration is inconclusive. The evidence for this gene-disease relationship is limited; therefore, the clinical significance of this alteration is unclear.